The following is an entry in ClinVar:

NM_203447.4(DOCK8):c.5002G>A (p.Ala1668Thr)

Gene: DOCK8 (dedicator of cytokinesis 8; plus strand). Cytogenetic location: 9p24.3.
Variant type: single nucleotide variant.
Coding change: c.5002G>A on transcript NM_203447.4 (MANE Select); coding-DNA position 5002, G replaced by A.
Protein change: p.Ala1668Thr; replaces alanine 1668 with threonine.
Molecular consequence: missense variant.
Genome position (GRCh38, 1-based): chr9:434,898, G>A. VCF-style: chr9-434898-G-A. GRCh37 (hg19) VCF-style: chr9-434898-G-A.
Other names: c.4702G>A, p.Ala1568Thr (NM_001190458.2); c.4798G>A, p.Ala1600Thr (NM_001193536.2); short protein forms A1568T, A1600T, A1668T.
Identifiers: ClinVar variation 862232 (VCV000862232.7), dbSNP rs759524696, ClinGen allele CA4959269.

ClinVar aggregate classification (germline): Uncertain significance (1 of 4 stars; one submission).

Conditions:
Combined immunodeficiency due to DOCK8 deficiency (HIES2). Also called: HIES autosomal recessive; DOCK8 Deficiency; Hyper-IgE recurrent infection syndrome, autosomal recessive; HYPER-IgE RECURRENT INFECTION SYNDROME 2, AUTOSOMAL RECESSIVE; HYPER-IgE SYNDROME 2, AUTOSOMAL RECESSIVE, WITH RECURRENT INFECTIONS. Identifiers: Orphanet 217390, MedGen C4722305, MONDO:0009478, OMIM 243700.

Allele frequency attached by ClinVar (database versions not stated): ExAC 0.00002; gnomAD exomes 0.00002; TOPMed 0.00002; gnomAD 0.00003.
gnomAD v4.1: 39 of 1,613,780 alleles (0.0024%); highest among the groups gnomAD compares: Admixed American, 0.0067%; no homozygotes.

Submission:

Labcorp Genetics (formerly Invitae), Labcorp
Classification: Uncertain significance for Combined immunodeficiency due to DOCK8 deficiency. Last evaluated: 2021-08-27. Review status: criteria provided, single submitter. Criteria: Invitae Variant Classification Sherloc (09022015). Collection method: clinical testing. Allele origin: germline.
Comment: This sequence change replaces alanine with threonine at codon 1668 of the DOCK8 protein (p.Ala1668Thr). The alanine residue is highly conserved and there is a small physicochemical difference between alanine and threonine. This variant is present in population databases (rs759524696, ExAC 0.003%). This variant has not been reported in the literature in individuals affected with DOCK8-related conditions. Algorithms developed to predict the effect of missense changes on protein structure and function are either unavailable or do not agree on the potential impact of this missense change (SIFT: "Deleterious"; PolyPhen-2: "Possibly Damaging"; Align-GVGD: "Class C0"). In summary, the available evidence is currently insufficient to determine the role of this variant in disease. Therefore, it has been classified as a Variant of Uncertain Significance.